The following is an entry in ClinVar:

ClinVar aggregate classification (germline): Uncertain significance (1 of 4 stars; one submission).

Allele frequency attached by ClinVar (database versions not stated): ESP Exome Variant Server 0.00008; ExAC 0.00011; gnomAD 0.00011.
gnomAD v4.1: 145 of 1,580,888 alleles (0.0092%); highest among the groups gnomAD compares: Middle Eastern, 0.068%; 1 homozygote.

Submission:

Labcorp Genetics (formerly Invitae), Labcorp
Classification: Uncertain significance. Last evaluated: 2022-03-14. Review status: criteria provided, single submitter. Criteria: Invitae Variant Classification Sherloc (09022015). Collection method: clinical testing. Allele origin: germline.
Comment: This sequence change replaces leucine, which is neutral and non-polar, with phenylalanine, which is neutral and non-polar, at codon 318 of the GLIS3 protein (p.Leu318Phe). This variant is present in population databases (rs369088290, gnomAD 0.02%). This variant has not been reported in the literature in individuals affected with GLIS3-related conditions. Algorithms developed to predict the effect of missense changes on protein structure and function are either unavailable or do not agree on the potential impact of this missense change (SIFT: "Deleterious"; PolyPhen-2: "Probably Damaging"; Align-GVGD: "Class C15"). In summary, the available evidence is currently insufficient to determine the role of this variant in disease. Therefore, it has been classified as a Variant of Uncertain Significance.

NM_001042413.2(GLIS3):c.1417C>T (p.Leu473Phe)

Gene: GLIS3 (GLIS family zinc finger 3; minus strand). Cytogenetic location: 9p24.2.
Variant type: single nucleotide variant.
Coding change: c.1417C>T on transcript NM_001042413.2 (MANE Select); coding-DNA position 1417, C replaced by T.
Protein change: p.Leu473Phe; replaces leucine 473 with phenylalanine.
Molecular consequence: missense variant.
Genome position (GRCh38, 1-based): chr9:4,118,061, G>A on the plus strand (C>T on the coding strand, the complement: GLIS3 is on the minus strand). VCF-style: chr9-4118061-G-A. GRCh37 (hg19) VCF-style: chr9-4118061-G-A.
Other names: c.952C>T, p.Leu318Phe (NM_152629.4); short protein forms L318F, L473F.
Identifiers: ClinVar variation 1925138 (VCV001925138.2), dbSNP rs369088290, ClinGen allele CA4968199.